The following is an entry in ClinVar:

ClinVar aggregate classification (germline): Pathogenic/Likely pathogenic. Review status: criteria provided, multiple submitters, no conflicts (2 of 4 stars). 2 submissions from 2 submitters: Pathogenic (1); Likely pathogenic (1). Last evaluated 2020-05-13.

Conditions:
Hereditary breast ovarian cancer syndrome. Also called: BRCA1- and BRCA2-Associated Hereditary Breast and Ovarian Cancer; Hereditary breast and ovarian cancer syndrome; Hereditary breast and ovarian cancer; Hereditary breast and ovarian cancer syndrome (HBOC); Breast and ovarian cancer; Hereditary breast and/or ovarian cancer syndrome. Identifiers: Orphanet 145, MedGen C0677776, MeSH D061325, MONDO:0003582. Disease mechanism: loss of function.
Hereditary cancer-predisposing syndrome. Also called: Neoplastic Syndromes, Hereditary; Tumor predisposition; Hereditary Cancer Syndrome; Hereditary neoplastic syndrome. Identifiers: Orphanet 140162, MedGen C0027672, MeSH D009386, MONDO:0015356.

Submissions (2):

Color Diagnostics, LLC DBA Color Health
Classification: Pathogenic for Hereditary cancer-predisposing syndrome. Last evaluated: 2020-05-13. Review status: criteria provided, single submitter. Criteria: ACMG Guidelines, 2015. Collection method: clinical testing. Allele origin: germline.
Comment: This variant deletes 1 nucleotide in exon 10 of the BRCA2 gene, creating a frameshift and premature translation stop signal. This variant is expected to result in an absent or non-functional protein product. To our knowledge, this variant has not been reported in individuals affected with hereditary cancer in the literature. This variant has not been identified in the general population by the Genome Aggregation Database (gnomAD). Loss of BRCA2 function is a known mechanism of disease. Based on the available evidence, this variant is classified as Pathogenic.

Women's Health and Genetics/Laboratory Corporation of America, LabCorp
Classification: Likely pathogenic for Hereditary breast and ovarian cancer syndrome. Last evaluated: 2019-08-27. Review status: criteria provided, single submitter. Criteria: LabCorp Variant Classification Summary - May 2015. Collection method: clinical testing. Allele origin: germline.
Comment: Variant summary: BRCA2 c.1233delA (p.Leu413TyrfsX17) results in a premature termination codon, predicted to cause a truncation of the encoded protein or absence of the protein due to nonsense mediated decay, which are commonly known mechanisms for disease. Truncations downstream of this position have been classified as pathogenic by our laboratory. The variant was absent in 250274 control chromosomes (gnomAD). To our knowledge, no occurrence of c.1233delA in individuals affected with Hereditary Breast and Ovarian Cancer and no experimental evidence demonstrating its impact on protein function have been reported. No clinical diagnostic laboratories have submitted clinical-significance assessments for this variant to ClinVar after 2014. Based on the evidence outlined above, the variant was classified as likely pathogenic.

NM_000059.4(BRCA2):c.1233del (p.Leu413fs)

Gene: BRCA2 (BRCA2 DNA repair associated; plus strand). Cytogenetic location: 13q13.1.
Variant type: Deletion.
Coding change: c.1233del on transcript NM_000059.4 (MANE Select); coding-DNA position 1233, one base deleted (A; older notation c.1233delA).
Protein change: p.Leu413fs; shifts the reading frame from leucine 413.
Molecular consequence: frameshift variant.
Genome position (GRCh38, 1-based): chr13:32,332,711, A deleted. VCF-style (leftmost placement, unchanged base first): chr13-32332710-TA-T. GRCh37 (hg19) VCF-style: chr13-32906847-TA-T.
Other names: short protein forms L413fs.
Identifiers: ClinVar variation 920531 (VCV000920531.3), dbSNP rs2072407210, ClinGen allele CA913188528.